The following is an entry in ClinVar:

NM_001267550.2(TTN):c.102281A>C (p.Tyr34094Ser)

Genes: TTN-AS1 (TTN antisense RNA 1; plus strand), TTN (titin; minus strand). Cytogenetic location: 2q31.2.
Variant type: single nucleotide variant.
Coding change: c.102281A>C on transcript NM_001267550.2 (MANE Select); coding-DNA position 102281, A replaced by C.
Protein change: p.Tyr34094Ser; replaces tyrosine 34094 with serine.
Molecular consequence: missense variant.
Genome position (GRCh38, 1-based): chr2:178,534,334, T>G on the plus strand (A>C on the coding strand, the complement: TTN is on the minus strand). VCF-style: chr2-178534334-T-G. GRCh37 (hg19) VCF-style: chr2-179399061-T-G.
Other names: c.97358A>C, p.Tyr32453Ser (NM_001256850.1); c.75086A>C, p.Tyr25029Ser (NM_003319.4); c.94577A>C, p.Tyr31526Ser (NM_133378.4); c.75461A>C, p.Tyr25154Ser (NM_133432.3); c.75662A>C, p.Tyr25221Ser (NM_133437.4); short protein forms Y25029S, Y32453S, Y25221S, Y25154S, Y34094S, Y31526S.
Identifiers: ClinVar variation 1897454 (VCV001897454.5), dbSNP rs1414440071, ClinGen allele CA349417967.

ClinVar aggregate classification (germline): Uncertain significance (1 of 4 stars; one submission).

Conditions:
Dilated cardiomyopathy 1G (CMD1G). Identifiers: Orphanet 154, MedGen C1858763, MONDO:0011400, OMIM 604145.
Autosomal recessive limb-girdle muscular dystrophy type 2J (LGMDR10). Also called: Limb-girdle muscular dystrophy, type 2J; MUSCULAR DYSTROPHY, LIMB-GIRDLE, AUTOSOMAL RECESSIVE 10. Identifiers: Orphanet 140922, MedGen C1837342, MONDO:0012127, OMIM 608807.

Allele frequency attached by ClinVar (database versions not stated): gnomAD 0.00001; gnomAD exomes 0.00001.
gnomAD v4.1: 21 of 1,612,982 alleles (0.0013%); highest among the groups gnomAD compares: Non-Finnish European, 0.0018%; no homozygotes.

Submission:

Labcorp Genetics (formerly Invitae), Labcorp
Classification: Uncertain significance for Dilated cardiomyopathy 1G; Autosomal recessive limb-girdle muscular dystrophy type 2J. Last evaluated: 2025-11-22. Review status: criteria provided, single submitter. Criteria: Invitae Variant Classification Sherloc (09022015). Collection method: clinical testing. Allele origin: germline.
Comment: This sequence change replaces tyrosine, which is neutral and polar, with serine, which is neutral and polar, at codon 34094 of the TTN protein (p.Tyr34094Ser). This variant is present in population databases (no rsID available, gnomAD 0.007%). This variant has not been reported in the literature in individuals affected with TTN-related conditions. ClinVar contains an entry for this variant (Variation ID: 1897454). Experimental studies and prediction algorithms are not available or were not evaluated, and the functional significance of this variant is currently unknown. This variant is located in the M band of TTN (PMID: 25589632). Non-truncating variants in this region may be relevant for neuromuscular disorders, but have not been definitively shown to cause cardiomyopathy (PMID: 23975875). In summary, the available evidence is currently insufficient to determine the role of this variant in disease. Therefore, it has been classified as a Variant of Uncertain Significance.

Literature cited by the submitters: PubMed 25589632; PubMed 23975875.